The following is an entry in ClinVar:

ClinVar aggregate classification (germline): Uncertain significance. Review status: criteria provided, multiple submitters, no conflicts (2 of 4 stars). 2 submissions from 2 submitters: Uncertain significance (2). Last evaluated 2024-07-25.

Conditions:
Neurofibromatosis, type 1 (NF1). Also called: VON RECKLINGHAUSEN DISEASE; NEUROFIBROMATOSIS, TYPE I, SOMATIC; Peripheral type neurofibromatosis; Neurofibromatosis, type I. Identifiers: Orphanet 636, MedGen C0027831, MONDO:0018975, OMIM 162200. Disease mechanism: loss of function.

Submissions (2):

GeneDx
Classification: Uncertain significance. Last evaluated: 2024-07-25. Review status: criteria provided, single submitter. Criteria: GeneDx Variant Classification Process June 2021. Collection method: clinical testing. Allele origin: germline. Affected: yes.
Comment: Not observed at significant frequency in large population cohorts (gnomAD); In silico analysis supports that this missense variant has a deleterious effect on protein structure/function; Has not been previously published as pathogenic or benign to our knowledge; This variant is associated with the following publications: (PMID: 25541118, 25486365, 2121369, 22807134)

Labcorp Genetics (formerly Invitae), Labcorp
Classification: Uncertain significance for Neurofibromatosis, type 1. Last evaluated: 2017-09-18. Review status: criteria provided, single submitter. Criteria: Invitae Variant Classification Sherloc (09022015). Collection method: clinical testing. Allele origin: germline.
Comment: In summary, the available evidence is currently insufficient to determine the role of this variant in disease. Therefore, it has been classified as a Variant of Uncertain Significance. A different missense substitution at this codon (p.Leu1183Arg) has been reported in an individual affected with Neurofibromatosis type 1 (NF1) (PMID: 25541118), however, the clinical significance of this variant is uncertain. Algorithms developed to predict the effect of missense changes on protein structure and function do not agree on the potential impact of this missense change (SIFT: "Deleterious"; PolyPhen-2: "Probably Damaging"; Align-GVGD: "Class C0"). This sequence change replaces leucine with proline at codon 1183 of the NF1 protein (p.Leu1183Pro). The leucine residue is moderately conserved and there is a moderate physicochemical difference between leucine and proline. This variant is not present in population databases (ExAC no frequency). This variant has been reported in an individual with neurofibromatosis type I (PMID: 25541118).

Literature cited by the submitters: PubMed 25541118 (cited by Labcorp Genetics (formerly Invitae), Labcorp).

NM_001042492.3(NF1):c.3548T>C (p.Leu1183Pro)

Gene: NF1 (neurofibromin 1; plus strand). Cytogenetic location: 17q11.2.
Variant type: single nucleotide variant.
Coding change: c.3548T>C on transcript NM_001042492.3 (MANE Select); coding-DNA position 3548, T replaced by C.
Protein change: p.Leu1183Pro; replaces leucine 1183 with proline.
Molecular consequence: missense variant.
Genome position (GRCh38, 1-based): chr17:31,233,053, T>C. VCF-style: chr17-31233053-T-C. GRCh37 (hg19) VCF-style: chr17-29560071-T-C.
Other names: c.3548T>C, p.Leu1183Pro (NM_000267.4); short protein forms L1183P.
Identifiers: ClinVar variation 527427 (VCV000527427.6), dbSNP rs1555615028, ClinGen allele CA398989986.